The following is an entry in ClinVar:

ClinVar aggregate classification (germline): Uncertain significance (1 of 4 stars; one submission).

Allele frequency attached by ClinVar (database versions not stated): TOPMed below 0.00001; gnomAD 0.00002; 1000 Genomes Project 30x 0.00031.

Submission:

GeneDx
Classification: Uncertain significance. Last evaluated: 2022-08-30. Review status: criteria provided, single submitter. Criteria: GeneDx Variant Classification Process June 2021. Collection method: clinical testing. Allele origin: germline. Affected: yes.
Comment: Not observed at significant frequency in large population cohorts (gnomAD); In silico analysis supports that this missense variant has a deleterious effect on protein structure/function; Has not been previously published as pathogenic or benign to our knowledge

NM_198525.3(KIF7):c.629T>C (p.Leu210Pro)

Gene: KIF7 (kinesin family member 7; minus strand). Cytogenetic location: 15q26.1.
Variant type: single nucleotide variant.
Coding change: c.629T>C on transcript NM_198525.3 (MANE Select); coding-DNA position 629, T replaced by C.
Protein change: p.Leu210Pro; replaces leucine 210 with proline.
Molecular consequence: missense variant.
Genome position (GRCh38, 1-based): chr15:89,649,268, A>G on the plus strand (T>C on the coding strand, the complement: KIF7 is on the minus strand). VCF-style: chr15-89649268-A-G. GRCh37 (hg19) VCF-style: chr15-90192499-A-G.
Other names: short protein forms L210P.
Identifiers: ClinVar variation 2442725 (VCV002442725.1), dbSNP rs1394181326, ClinGen allele CA393775942.